The following is an entry in ClinVar:

ClinVar aggregate classification (germline): Uncertain significance. Review status: criteria provided, multiple submitters, no conflicts (2 of 4 stars). 3 submissions from 3 submitters: Uncertain significance (3). Last evaluated 2024-09-23.

gnomAD v4.1: 81 of 1,613,864 alleles (0.005%); highest among the groups gnomAD compares: Non-Finnish European, 0.0066%; no homozygotes.

Submissions (3):

Blueprint Genetics
Classification: Uncertain significance. Last evaluated: 2024-09-23. Review status: criteria provided, single submitter. Criteria: ACMG Guidelines, 2015. Collection method: clinical testing. Allele origin: germline.

Labcorp Genetics (formerly Invitae), Labcorp
Classification: Uncertain significance. Last evaluated: 2024-07-12. Review status: criteria provided, single submitter. Criteria: Invitae Variant Classification Sherloc (09022015). Collection method: clinical testing. Allele origin: germline.
Comment: This sequence change replaces serine, which is neutral and polar, with proline, which is neutral and non-polar, at codon 410 of the SLCO5A1 protein (p.Ser410Pro). This variant is present in population databases (rs762364704, gnomAD 0.004%). This variant has not been reported in the literature in individuals affected with SLCO5A1-related conditions. An algorithm developed to predict the effect of missense changes on protein structure and function (PolyPhen-2) suggests that this variant is likely to be tolerated. In summary, the available evidence is currently insufficient to determine the role of this variant in disease. Therefore, it has been classified as a Variant of Uncertain Significance.

Ambry Genetics
Classification: Uncertain significance. Last evaluated: 2024-07-07. Review status: criteria provided, single submitter. Criteria: Ambry Variant Classification Scheme 2023. Collection method: clinical testing. Allele origin: germline.

NM_030958.3(SLCO5A1):c.1228T>C (p.Ser410Pro)

Gene: SLCO5A1 (solute carrier organic anion transporter family member 5A1; minus strand). Cytogenetic location: 8q13.3.
Variant type: single nucleotide variant.
Coding change: c.1228T>C on transcript NM_030958.3 (MANE Select); coding-DNA position 1228, T replaced by C.
Protein change: p.Ser410Pro; replaces serine 410 with proline.
Molecular consequence: missense variant.
Genome position (GRCh38, 1-based): chr8:69,755,454, A>G on the plus strand (T>C on the coding strand, the complement: SLCO5A1 is on the minus strand). VCF-style: chr8-69755454-A-G. GRCh37 (hg19) VCF-style: chr8-70667689-A-G.
Other names: c.1228T>C, p.Ser410Pro (NM_001146008.2, NM_001146009.1); short protein forms S410P.
Identifiers: ClinVar variation 3445420 (VCV003445420.4).